The following is an entry in ClinVar:

ClinVar aggregate classification (germline): Uncertain significance. Review status: criteria provided, multiple submitters, no conflicts (2 of 4 stars). 2 submissions from 2 submitters: Uncertain significance (2). Last evaluated 2024-03-30.

Conditions:
Tumoral calcinosis, hyperphosphatemic, familial, 1. Also called: HYPEROSTOSIS WITH HYPERPHOSPHATEMIA; HYPEROSTOSIS-HYPERPHOSPHATEMIA SYNDROME; CORTICAL HYPEROSTOSIS WITH HYPERPHOSPHATEMIA; CALCINOSIS, TUMORAL, WITH HYPERPHOSPHATEMIA; LIPOCALCINOGRANULOMATOSIS; MORBUS TEUTSCHLAENDER. Identifiers: Orphanet 53715, MedGen C4692564, MONDO:0100252, OMIM 211900.

Allele frequency attached by ClinVar (database versions not stated): ExAC 0.00003.

Submissions (2):

Fulgent Genetics
Classification: Uncertain significance for Tumoral calcinosis, hyperphosphatemic, familial, 1. Last evaluated: 2024-03-30. Review status: criteria provided, single submitter. Criteria: ACMG Guidelines, 2015. Collection method: clinical testing. Allele origin: germline.

Labcorp Genetics (formerly Invitae), Labcorp
Classification: Uncertain significance. Last evaluated: 2021-09-09. Review status: criteria provided, single submitter. Criteria: Invitae Variant Classification Sherloc (09022015). Collection method: clinical testing. Allele origin: germline.
Comment: In summary, the available evidence is currently insufficient to determine the role of this variant in disease. Therefore, it has been classified as a Variant of Uncertain Significance. Algorithms developed to predict the effect of missense changes on protein structure and function (SIFT, PolyPhen-2, Align-GVGD) all suggest that this variant is likely to be tolerated. This variant has not been reported in the literature in individuals affected with GALNT3-related conditions. This variant is present in population databases (rs769052242, ExAC 0.005%). This sequence change replaces valine with leucine at codon 616 of the GALNT3 protein (p.Val616Leu). The valine residue is highly conserved and there is a small physicochemical difference between valine and leucine.

NM_004482.4(GALNT3):c.1846G>T (p.Val616Leu)

Gene: GALNT3 (polypeptide N-acetylgalactosaminyltransferase 3; minus strand). Cytogenetic location: 2q24.3.
Variant type: single nucleotide variant.
Coding change: c.1846G>T on transcript NM_004482.4 (MANE Select); coding-DNA position 1846, G replaced by T.
Protein change: p.Val616Leu; replaces valine 616 with leucine.
Molecular consequence: missense variant.
Genome position (GRCh38, 1-based): chr2:165,748,837, C>A on the plus strand (G>T on the coding strand, the complement: GALNT3 is on the minus strand). VCF-style: chr2-165748837-C-A. GRCh37 (hg19) VCF-style: chr2-166605347-C-A.
Other names: short protein forms V616L.
Identifiers: ClinVar variation 1440558 (VCV001440558.5), dbSNP rs769052242, ClinGen allele CA1940829.